The following is an entry in ClinVar:

ClinVar aggregate classification (germline): Uncertain significance. Review status: criteria provided, multiple submitters, no conflicts (2 of 4 stars). 4 submissions from 4 submitters: Uncertain significance (4). Last evaluated 2025-04-21.

Conditions:
Hereditary cancer-predisposing syndrome. Also called: Neoplastic Syndromes, Hereditary; Tumor predisposition; Hereditary neoplastic syndrome; Hereditary Cancer Syndrome. Identifiers: Orphanet 140162, MedGen C0027672, MeSH D009386, MONDO:0015356.
BAP1-related tumor predisposition syndrome (TPDS1). Also called: Tumor susceptibility linked to germline BAP1 mutations; BAP1 tumor predisposition syndrome; TUMOR PREDISPOSITION SYNDROME 1; COMMON Syndrome. Identifiers: Orphanet 289539, MedGen C3280492, MONDO:0013692, OMIM 614327.

gnomAD v4.1: 1 of 1,614,092 alleles (0.000062%); no homozygotes.

Submissions (4):

Labcorp Genetics (formerly Invitae), Labcorp
Classification: Uncertain significance for BAP1-related tumor predisposition syndrome. Last evaluated: 2025-04-21. Review status: criteria provided, single submitter. Criteria: Invitae Variant Classification Sherloc (09022015). Collection method: clinical testing. Allele origin: germline.
Comment: This sequence change replaces valine, which is neutral and non-polar, with leucine, which is neutral and non-polar, at codon 19 of the BAP1 protein (p.Val19Leu). This variant is not present in population databases (gnomAD no frequency). This variant has not been reported in the literature in individuals affected with BAP1-related conditions. ClinVar contains an entry for this variant (Variation ID: 629206). Invitae Evidence Modeling of protein sequence and biophysical properties (such as structural, functional, and spatial information, amino acid conservation, physicochemical variation, residue mobility, and thermodynamic stability) indicates that this missense variant is not expected to disrupt BAP1 protein function with a negative predictive value of 80%. In summary, the available evidence is currently insufficient to determine the role of this variant in disease. Therefore, it has been classified as a Variant of Uncertain Significance.

Color Diagnostics, LLC DBA Color Health
Classification: Uncertain significance for Hereditary cancer-predisposing syndrome. Last evaluated: 2024-03-06. Review status: criteria provided, single submitter. Criteria: ACMG Guidelines, 2015. Collection method: clinical testing. Allele origin: germline.
Comment: This missense variant replaces valine with leucine at codon 19 of the BAP1 protein. Computational prediction suggests that this variant may not impact protein structure and function (internally defined REVEL score threshold <= 0.5, PMID: 27666373). To our knowledge, functional studies have not been reported for this variant. This variant has not been reported in individuals affected with hereditary cancer in the literature. This variant has not been identified in the general population by the Genome Aggregation Database (gnomAD). The available evidence is insufficient to determine the role of this variant in disease conclusively. Therefore, this variant is classified as a Variant of Uncertain Significance.

GeneDx
Classification: Uncertain significance. Last evaluated: 2023-11-13. Review status: criteria provided, single submitter. Criteria: GeneDx Variant Classification Process June 2021. Collection method: clinical testing. Allele origin: germline. Affected: yes.
Comment: Not observed at significant frequency in large population cohorts (gnomAD); In silico analysis supports that this missense variant does not alter protein structure/function; Has not been previously published as pathogenic or benign to our knowledge

Ambry Genetics
Classification: Uncertain significance for Hereditary cancer-predisposing syndrome. Last evaluated: 2023-10-17. Review status: criteria provided, single submitter. Criteria: Ambry Variant Classification Scheme 2023. Collection method: clinical testing. Allele origin: germline.
Comment: The p.V19L variant (also known as c.55G>C), located in coding exon 2 of the BAP1 gene, results from a G to C substitution at nucleotide position 55. The valine at codon 19 is replaced by leucine, an amino acid with highly similar properties. This amino acid position is highly conserved in available vertebrate species. In addition, the in silico prediction for this alteration is inconclusive. Since supporting evidence is limited at this time, the clinical significance of this alteration remains unclear.

NM_004656.4(BAP1):c.55G>C (p.Val19Leu)

Gene: BAP1 (BRCA1 associated deubiquitinase 1; minus strand). Cytogenetic location: 3p21.1.
Variant type: single nucleotide variant.
Coding change: c.55G>C on transcript NM_004656.4 (MANE Select); coding-DNA position 55, G replaced by C.
Protein change: p.Val19Leu; replaces valine 19 with leucine.
Molecular consequence: missense variant.
Genome position (GRCh38, 1-based): chr3:52,409,726, C>G on the plus strand (G>C on the coding strand, the complement: BAP1 is on the minus strand). VCF-style: chr3-52409726-C-G. GRCh37 (hg19) VCF-style: chr3-52443742-C-G.
Other names: short protein forms V19L.
Identifiers: ClinVar variation 629206 (VCV000629206.15), dbSNP rs745359087, ClinGen allele CA353114903.